The following is an entry in ClinVar:

ClinVar aggregate classification (germline): Uncertain significance (1 of 4 stars; one submission).

Conditions:
Catecholaminergic polymorphic ventricular tachycardia 1. Also called: VENTRICULAR TACHYCARDIA, CATECHOLAMINERGIC POLYMORPHIC, 1, WITH OR WITHOUT ATRIAL DYSFUNCTION AND/OR DILATED CARDIOMYOPATHY; RYR2-Related Catecholaminergic Polymorphic Ventricular Tachycardia; VENTRICULAR TACHYCARDIA, STRESS-INDUCED POLYMORPHIC 1. Identifiers: Orphanet 3286, MedGen C1631597, MONDO:0011484, OMIM 604772.

Submission:

Labcorp Genetics (formerly Invitae), Labcorp
Classification: Uncertain significance for Catecholaminergic polymorphic ventricular tachycardia 1. Last evaluated: 2022-07-26. Review status: criteria provided, single submitter. Criteria: Invitae Variant Classification Sherloc (09022015). Collection method: clinical testing. Allele origin: germline.
Comment: This variant has not been reported in the literature in individuals affected with TRDN-related conditions. This variant is not present in population databases (gnomAD no frequency). This sequence change results in a frameshift in the TRDN gene (p.Gly717Serfs*18). While this is not anticipated to result in nonsense mediated decay, it is expected to disrupt the last 13 amino acid(s) of the TRDN protein and extend the protein by 4 additional amino acid residues. Experimental studies and prediction algorithms are not available or were not evaluated, and the functional significance of this variant is currently unknown. In summary, the available evidence is currently insufficient to determine the role of this variant in disease. Therefore, it has been classified as a Variant of Uncertain Significance.

NM_006073.4(TRDN):c.2149_2150del (p.Gly717fs)

Gene: TRDN (triadin; minus strand). Cytogenetic location: 6q22.31.
Variant type: Deletion.
Coding change: c.2149_2150del on transcript NM_006073.4 (MANE Select); coding-DNA positions 2149 to 2150, 2 bases deleted (GG; older notation c.2149_2150delGG).
Protein change: p.Gly717fs; shifts the reading frame from glycine 717.
Molecular consequence: frameshift variant.
Genome position (GRCh38, 1-based): chr6:123,218,641-123,218,642, CC deleted on the plus strand (GG on the coding strand, the reverse complement: TRDN is on the minus strand). VCF-style (leftmost placement, unchanged base first): chr6-123218640-ACC-A. GRCh37 (hg19) VCF-style: chr6-123539785-ACC-A.
Other names: short protein forms G717fs.
Identifiers: ClinVar variation 2083018 (VCV002083018.4), dbSNP rs2534836092, ClinGen allele CA2580074837.